The following is an entry in ClinVar:

NM_000535.7(PMS2):c.1476G>A (p.Lys492=)

Gene: PMS2 (PMS1 homolog 2, mismatch repair system component; minus strand). Cytogenetic location: 7p22.1.
Variant type: single nucleotide variant.
Coding change: c.1476G>A on transcript NM_000535.7 (MANE Select); coding-DNA position 1476, G replaced by A.
Protein change: p.Lys492=; no amino-acid change (lysine 492 retained).
Molecular consequence: synonymous variant. On other transcripts: non-coding transcript variant (1).
Genome position (GRCh38, 1-based): chr7:5,987,289, C>T on the plus strand (G>A on the coding strand, the complement: PMS2 is on the minus strand). VCF-style: chr7-5987289-C-T. GRCh37 (hg19) VCF-style: chr7-6026920-C-T.
Other names: c.1071G>A, p.Lys357= (NM_001322003.2, NM_001322004.2, NM_001322005.2 and 1 more transcripts); c.1320G>A, p.Lys440= (NM_001322006.2); c.1158G>A, p.Lys386= (NM_001322007.2, NM_001322008.2); c.915G>A, p.Lys305= (NM_001322010.2); c.543G>A, p.Lys181= (NM_001322011.2, NM_001322012.2); c.903G>A, p.Lys301= (NM_001322013.2); c.1476G>A, p.Lys492= (NM_001322014.2); c.1167G>A, p.Lys389= (NM_001322015.2).
Identifiers: ClinVar variation 416557 (VCV000416557.27), dbSNP rs766309532, ClinGen allele CA043811.

ClinVar aggregate classification (germline): Benign/Likely benign. Review status: criteria provided, multiple submitters, no conflicts (2 of 4 stars). 8 submissions from 8 submitters: Benign (1); Likely benign (7). Last evaluated 2025-12-02.

Conditions:
Mismatch repair cancer syndrome 4. Identifiers: MedGen C5436817, MONDO:0030843, OMIM 619101.
Hereditary nonpolyposis colorectal neoplasms. Identifiers: MedGen C0009405, MeSH D003123.
Hereditary cancer-predisposing syndrome. Also called: Tumor predisposition; Neoplastic Syndromes, Hereditary; Hereditary neoplastic syndrome; Hereditary Cancer Syndrome. Identifiers: Orphanet 140162, MedGen C0027672, MeSH D009386, MONDO:0015356.
Lynch syndrome 4 (LYNCH4). Also called: Colorectal cancer, hereditary nonpolyposis, type 4; Hereditary non-polyposis colorectal cancer, type 4. Identifiers: Orphanet 144, MedGen C1838333, MONDO:0013699, OMIM 614337. Disease mechanism: loss of function.
Lynch syndrome. Identifiers: Orphanet 144, MedGen C4552100, MONDO:0005835. Disease mechanism: loss of function.

Allele frequency attached by ClinVar (database versions not stated): gnomAD below 0.00001 and 0.00001; gnomAD exomes 0.00001; TOPMed 0.00001; ExAC 0.00002.
gnomAD v4.1: 11 of 1,614,020 alleles (0.00068%); highest among the groups gnomAD compares: Middle Eastern, 0.016%; no homozygotes.

Submissions (8):

Labcorp Genetics (formerly Invitae), Labcorp
Classification: Likely benign for Hereditary nonpolyposis colorectal neoplasms. Last evaluated: 2025-12-02. Review status: criteria provided, single submitter. Criteria: Invitae Variant Classification Sherloc (09022015). Collection method: clinical testing. Allele origin: germline.

Center for Genomic Medicine, Rigshospitalet, Copenhagen University Hospital
Classification: Likely benign. Last evaluated: 2025-03-04. Review status: criteria provided, single submitter. Criteria: ACMG Guidelines, 2015. Collection method: clinical testing. Allele origin: germline.

Myriad Genetics, Inc.
Classification: Benign for Lynch syndrome 4. Last evaluated: 2025-01-30. Review status: criteria provided, single submitter. Criteria: Myriad Autosomal Dominant, Autosomal Recessive and X-Linked Classification Criteria (2023). Collection method: clinical testing. Allele origin: unknown.
Comment: This variant is considered benign. This variant is a silent/synonymous amino acid change and it is not expected to impact splicing.

All of Us Research Program, National Institutes of Health
Classification: Likely benign for Lynch syndrome. Last evaluated: 2023-12-13. Review status: criteria provided, single submitter. Criteria: ACMG Guidelines, 2015. Collection method: clinical testing. Allele origin: germline. Inheritance: Autosomal dominant inheritance. Observed: 4 variant alleles, 4 heterozygotes.
Comment: This study involves interpretation of variants in research participants for the purpose of population health screening. Participant phenotype was not available at the time of variant classification. Additional details can be found in publication PMID: 35346344, PMCID: PMC8962531

Department of Pathology and Laboratory Medicine, Sinai Health System
Classification: Likely benign for Mismatch repair cancer syndrome 4. Last evaluated: 2020-12-03. Review status: criteria provided, single submitter. Criteria: ACMG Guidelines, 2015. Collection method: clinical testing. Allele origin: germline. Affected: yes.

GeneDx
Classification: Likely benign. Last evaluated: 2018-07-26. Review status: criteria provided, single submitter. Criteria: GeneDx Variant Classification Process June 2021. Collection method: clinical testing. Allele origin: germline. Affected: yes.

Color Diagnostics, LLC DBA Color Health
Classification: Likely benign for Hereditary cancer-predisposing syndrome. Last evaluated: 2017-03-28. Review status: criteria provided, single submitter. Criteria: ACMG Guidelines, 2015. Collection method: clinical testing. Allele origin: germline.

Ambry Genetics
Classification: Likely benign for Hereditary cancer-predisposing syndrome. Last evaluated: 2015-02-09. Review status: criteria provided, single submitter. Criteria: Ambry Variant Classification Scheme 2023. Collection method: clinical testing. Allele origin: germline.